The following is an entry in ClinVar:

ClinVar aggregate classification (germline): Pathogenic. Review status: criteria provided, multiple submitters, no conflicts (2 of 4 stars). 2 submissions from 2 submitters: Pathogenic (2). Last evaluated 2024-06-07.

Conditions:
Jeune thoracic dystrophy. Also called: Short-rib thoracic dysplasia; Jeune syndrome; Infantile thoracic dystrophy; Thoracic pelvic phalangeal dystrophy; Jeune's syndrome; Chondroectodermal dysplasia-like syndrome. Identifiers: Orphanet 474, MedGen C0265275, MONDO:0018770.
Asphyxiating thoracic dystrophy 3. Also called: Saldino-Noonan Syndrome; SHORT-RIB THORACIC DYSPLASIA 3 WITH OR WITHOUT POLYDACTYLY; POLYDACTYLY WITH NEONATAL CHONDRODYSTROPHY, TYPE I; SHORT-RIB THORACIC DYSPLASIA 3/6 WITH POLYDACTYLY, DIGENIC; Short rib polydactyly syndrome 2B. Identifiers: Orphanet 474, Orphanet 93269, Orphanet 93270, Orphanet 93271, MedGen C0036069, MONDO:0013127, OMIM 613091.

Submissions (2):

Fulgent Genetics
Classification: Pathogenic for Asphyxiating thoracic dystrophy 3. Last evaluated: 2024-06-07. Review status: criteria provided, single submitter. Criteria: ACMG Guidelines, 2015. Collection method: clinical testing. Allele origin: germline.

Labcorp Genetics (formerly Invitae), Labcorp
Classification: Pathogenic for Jeune thoracic dystrophy. Last evaluated: 2023-12-05. Review status: criteria provided, single submitter. Criteria: Invitae Variant Classification Sherloc (09022015). Collection method: clinical testing. Allele origin: germline.
Comment: This sequence change creates a premature translational stop signal (p.Cys2351*) in the DYNC2H1 gene. It is expected to result in an absent or disrupted protein product. Loss-of-function variants in DYNC2H1 are known to be pathogenic (PMID: 23339108, 32753734, 33755199). This variant is not present in population databases (gnomAD no frequency). This variant has not been reported in the literature in individuals affected with DYNC2H1-related conditions. Algorithms developed to predict the effect of sequence changes on RNA splicing suggest that this variant may disrupt the consensus splice site. For these reasons, this variant has been classified as Pathogenic.

Literature cited by the submitters: PubMed 23339108 (cited by Labcorp Genetics (formerly Invitae), Labcorp); PubMed 32753734 (cited by Labcorp Genetics (formerly Invitae), Labcorp); PubMed 33755199 (cited by Labcorp Genetics (formerly Invitae), Labcorp).

NM_001377.3(DYNC2H1):c.7053_7054del (p.Cys2351_Glu2352delinsTer)

Gene: DYNC2H1 (dynein cytoplasmic 2 heavy chain 1; plus strand). Cytogenetic location: 11q22.3.
Variant type: Microsatellite.
Coding change: c.7053_7054del on transcript NM_001377.3 (MANE Select); coding-DNA positions 7053 to 7054, 2 bases deleted (TG; older notation c.7053_7054delTG).
Protein change: p.Cys2351_Glu2352delinsTer.
Molecular consequence: nonsense.
Genome position (GRCh38, 1-based): chr11:103,187,499-103,187,500, TG deleted; deleting any 2 consecutive bases within chr11:103,187,497-103,187,500 gives the same sequence; the c. name uses the placement nearest the transcript's 3' end. VCF-style (leftmost placement, unchanged base first): chr11-103187496-CTG-C. GRCh37 (hg19) VCF-style: chr11-103058225-CTG-C.
Other names: c.7053_7054del, p.Cys2351_Glu2352delinsTer (NM_001080463.2).
Identifiers: ClinVar variation 2701004 (VCV002701004.4), dbSNP rs2496288376, ClinGen allele CA2695215291.
Genomic context (GRCh38, chr11:103,187,496, plus strand): 5'-ACTGAGCCAGACTTGCATGGTAATCAGTACTAATACTGGTCGTGTATACAGACCAAAAGA[CTG>C]TGAAAGACTTGTTCTGTACTTAAAAGATATCAACCTACCTAAACTTGATAAATGGGGGAC-3'